The following is an entry in ClinVar:

ClinVar aggregate classification (germline): Uncertain significance. Review status: criteria provided, multiple submitters, no conflicts (2 of 4 stars). 2 submissions from 2 submitters: Uncertain significance (2). Last evaluated 2024-03-15.

Conditions:
Hereditary cancer-predisposing syndrome. Also called: Neoplastic Syndromes, Hereditary; Tumor predisposition; Hereditary Cancer Syndrome; Hereditary neoplastic syndrome. Identifiers: Orphanet 140162, MedGen C0027672, MeSH D009386, MONDO:0015356.

Submissions (2):

GeneDx
Classification: Uncertain significance. Last evaluated: 2024-03-15. Review status: criteria provided, single submitter. Criteria: GeneDx Variant Classification Process June 2021. Collection method: clinical testing. Allele origin: germline. Affected: yes.
Comment: Not observed at significant frequency in large population cohorts (gnomAD); In silico analysis supports that this missense variant does not alter protein structure/function; Has not been previously published as pathogenic or benign to our knowledge

Ambry Genetics
Classification: Uncertain significance for Hereditary cancer-predisposing syndrome. Last evaluated: 2022-10-29. Review status: criteria provided, single submitter. Criteria: Ambry Variant Classification Scheme 2023. Collection method: clinical testing. Allele origin: germline.
Comment: The p.M726L variant (also known as c.2176A>C), located in coding exon 14 of the CTNNA1 gene, results from an A to C substitution at nucleotide position 2176. The methionine at codon 726 is replaced by leucine, an amino acid with highly similar properties. This amino acid position is conserved. In addition, the in silico prediction for this alteration is inconclusive. Since supporting evidence is limited at this time, the clinical significance of this alteration remains unclear.

NM_001903.5(CTNNA1):c.2176A>C (p.Met726Leu)

Gene: CTNNA1 (catenin alpha 1; plus strand). Cytogenetic location: 5q31.2.
Variant type: single nucleotide variant.
Coding change: c.2176A>C on transcript NM_001903.5 (MANE Select); coding-DNA position 2176, A replaced by C.
Protein change: p.Met726Leu; replaces methionine 726 with leucine.
Molecular consequence: missense variant.
Genome position (GRCh38, 1-based): chr5:138,930,638, A>C. VCF-style: chr5-138930638-A-C. GRCh37 (hg19) VCF-style: chr5-138266327-A-C.
Other names: c.2176A>C, p.Met726Leu (NM_001290307.3, NM_001323982.2, NM_001323983.1 and 2 more transcripts); c.1867A>C, p.Met623Leu (NM_001290309.3); c.1807A>C, p.Met603Leu (NM_001290310.3); c.1066A>C, p.Met356Leu (NM_001290312.1, NM_001323987.1, NM_001323988.1 and 17 more transcripts); c.2083A>C, p.Met695Leu (NM_001323986.2); c.727A>C, p.Met243Leu (NM_001324006.1, NM_001324007.1, NM_001324008.1 and 2 more transcripts); c.973A>C, p.Met325Leu (NM_001324011.1); c.823A>C, p.Met275Leu (NM_001324012.1, NM_001324013.1); and 1 more; short protein forms M275L, M603L, M726L, M356L, M623L, M695L, M243L, M325L.
Identifiers: ClinVar variation 1787183 (VCV001787183.3), dbSNP rs2533851502, ClinGen allele CA361133693.